The following is an entry in ClinVar:

NM_018668.5(VPS33B):c.1226-3T>C

Gene: VPS33B (VPS33B late endosome and lysosome associated; minus strand). Cytogenetic location: 15q26.1.
Variant type: single nucleotide variant.
Coding change: c.1226-3T>C on transcript NM_018668.5 (MANE Select); 3 bases into the intron before coding-DNA position 1226, T replaced by C.
Molecular consequence: intron variant.
Genome position (GRCh38, 1-based): chr15:91,003,134, A>G on the plus strand (T>C on the coding strand, the complement: VPS33B is on the minus strand). VCF-style: chr15-91003134-A-G. GRCh37 (hg19) VCF-style: chr15-91546364-A-G.
Other names: c.1145-3T>C (NM_001289148.1); c.953-3T>C (NM_001289149.1).
Identifiers: ClinVar variation 3681235 (VCV003681235.2).

ClinVar aggregate classification (germline): Uncertain significance (1 of 4 stars; one submission).

gnomAD v4.1: 2 of 1,614,138 alleles (0.00012%); highest among the groups gnomAD compares: Non-Finnish European, 0.00017%; no homozygotes.

Submission:

Labcorp Genetics (formerly Invitae), Labcorp
Classification: Uncertain significance. Last evaluated: 2024-01-29. Review status: criteria provided, single submitter. Criteria: Invitae Variant Classification Sherloc (09022015). Collection method: clinical testing. Allele origin: germline.
Comment: This sequence change falls in intron 16 of the VPS33B gene. It does not directly change the encoded amino acid sequence of the VPS33B protein. It affects a nucleotide within the consensus splice site. This variant is not present in population databases (gnomAD no frequency). This variant has not been reported in the literature in individuals affected with VPS33B-related conditions. Variants that disrupt the consensus splice site are a relatively common cause of aberrant splicing (PMID: 17576681, 9536098). Algorithms developed to predict the effect of sequence changes on RNA splicing suggest that this variant is not likely to affect RNA splicing. In summary, the available evidence is currently insufficient to determine the role of this variant in disease. Therefore, it has been classified as a Variant of Uncertain Significance.

Literature cited by the submitters: PubMed 17576681; PubMed 9536098.